The following is an entry in ClinVar:

NM_033448.3(KRT71):c.124G>A (p.Gly42Ser)

Gene: KRT71 (keratin 71; minus strand). Cytogenetic location: 12q13.13.
Variant type: single nucleotide variant.
Coding change: c.124G>A on transcript NM_033448.3 (MANE Select); coding-DNA position 124, G replaced by A.
Protein change: p.Gly42Ser; replaces glycine 42 with serine.
Molecular consequence: missense variant.
Genome position (GRCh38, 1-based): chr12:52,552,954, C>T on the plus strand (G>A on the coding strand, the complement: KRT71 is on the minus strand). VCF-style: chr12-52552954-C-T. GRCh37 (hg19) VCF-style: chr12-52946738-C-T.
Other names: short protein forms G42S.
Identifiers: ClinVar variation 4742701 (VCV004742701.1).

ClinVar aggregate classification (germline): Uncertain significance (1 of 4 stars; one submission).

gnomAD v4.1: 173 of 1,614,198 alleles (0.011%); highest among the groups gnomAD compares: African/African-American, 0.2%; no homozygotes.

Submission:

Labcorp Genetics (formerly Invitae), Labcorp
Classification: Uncertain significance. Last evaluated: 2025-02-06. Review status: criteria provided, single submitter. Criteria: Invitae Variant Classification Sherloc (09022015). Collection method: clinical testing. Allele origin: germline.
Comment: This sequence change replaces glycine, which is neutral and non-polar, with serine, which is neutral and polar, at codon 42 of the KRT71 protein (p.Gly42Ser). This variant is present in population databases (rs142751500, gnomAD 0.2%), and has an allele count higher than expected for a pathogenic variant. This variant has not been reported in the literature in individuals affected with KRT71-related conditions. An algorithm developed to predict the effect of missense changes on protein structure and function outputs the following: PolyPhen-2: "Benign". The serine amino acid residue is found in multiple mammalian species, which suggests that this missense change does not adversely affect protein function. In summary, the available evidence is currently insufficient to determine the role of this variant in disease. Therefore, it has been classified as a Variant of Uncertain Significance.